The following is an entry in ClinVar:

ClinVar aggregate classification (germline): Pathogenic (1 of 4 stars; one submission).

Submission:

GeneDx
Classification: Pathogenic. Last evaluated: 2017-12-06. Review status: criteria provided, single submitter. Criteria: GeneDx Variant Classification (06012015). Collection method: clinical testing. Allele origin: germline. Affected: yes.
Comment: The Q532X variant has not been published as a pathogenic variant, nor has it been reported as a benign variant to our knowledge. The variant is predicted to cause loss of normal protein function either through protein truncation or nonsense-mediated mRNA decay. The variant is not observed in large population cohorts (Lek et al., 2016). In summary, we consider this variant to be pathogenic.

NM_001375808.2(LPIN2):c.1594C>T (p.Gln532Ter)

Gene: LPIN2 (lipin 2; minus strand). Cytogenetic location: 18p11.31.
Variant type: single nucleotide variant.
Coding change: c.1594C>T on transcript NM_001375808.2 (MANE Select); coding-DNA position 1594, C replaced by T.
Protein change: p.Gln532Ter; replaces glutamine 532 with a stop codon.
Molecular consequence: nonsense.
Genome position (GRCh38, 1-based): chr18:2,928,617, G>A on the plus strand (C>T on the coding strand, the complement: LPIN2 is on the minus strand). VCF-style: chr18-2928617-G-A. GRCh37 (hg19) VCF-style: chr18-2928615-G-A.
Other names: c.1594C>T, p.Gln532Ter (NM_001375809.1, NM_014646.2); short protein forms Q532*.
Identifiers: ClinVar variation 489197 (VCV000489197.1), dbSNP rs1175109245, ClinGen allele CA401703798.
Genomic context (GRCh38, chr18:2,928,617, plus strand): 5'-TTTCGGAAAGGCAGCAGATGGTGGATCGCCTCACCTTAGGCAAGCTCTTCTGGAATACTT[G>A]CAAGCTAAGGATCATGGGAGCTGCCAAAGCCCAGTTATAGTAACTGTGAGAAACAAAAAT-3'